The following is an entry in ClinVar:

ClinVar aggregate classification (germline): Conflicting classifications of pathogenicity. Review status: criteria provided, conflicting classifications (1 of 4 stars). 4 submissions from 4 submitters: Uncertain significance (1); Likely benign (3). Last evaluated 2026-01-24.

Conditions:
Amelocerebrohypohidrotic syndrome (KTZS). Also called: KOHLSCHUTTER SYNDROME; Kohlschutter's syndrome; EPILEPSY AND YELLOW TEETH; EPILEPSY, DEMENTIA, AND AMELOGENESIS IMPERFECTA. Identifiers: Orphanet 1946, MedGen C0406740, MONDO:0009185, OMIM 226750.

Allele frequency attached by ClinVar (database versions not stated): gnomAD exomes 0.00017 and 0.00023; ExAC 0.00018; ESP Exome Variant Server 0.00023; gnomAD 0.00025 and 0.00026; TOPMed 0.00034.
gnomAD v4.1: 313 of 1,613,728 alleles (0.019%); highest among the groups gnomAD compares: Admixed American, 0.093%; no homozygotes.

Submissions (4):

Labcorp Genetics (formerly Invitae), Labcorp
Classification: Likely benign for Amelocerebrohypohidrotic syndrome. Last evaluated: 2026-01-24. Review status: criteria provided, single submitter. Criteria: Invitae Variant Classification Sherloc (09022015). Collection method: clinical testing. Allele origin: germline.

Blueprint Genetics
Classification: Likely benign. Last evaluated: 2024-11-18. Review status: criteria provided, single submitter. Criteria: ACMG Guidelines, 2015. Collection method: clinical testing. Allele origin: germline.

CeGaT Center for Human Genetics Tuebingen
Classification: Likely benign. Last evaluated: 2024-06-01. Review status: criteria provided, single submitter. Criteria: CeGaT Center For Human Genetics Tuebingen Variant Classification Criteria Version 2. Collection method: clinical testing. Allele origin: germline. Affected: yes. Observed: 2 variant alleles.
Comment: ROGDI: BP4, BP7

Illumina Laboratory Services, Illumina
Classification: Uncertain significance for Kohlschutter syndrome. Last evaluated: 2018-01-12. Review status: criteria provided, single submitter. Criteria: ICSL Variant Classification Criteria 13 December 2019. Collection method: clinical testing. Allele origin: germline.

NM_024589.3(ROGDI):c.378G>C (p.Leu126=)

Gene: ROGDI (rogdi atypical leucine zipper; minus strand). Cytogenetic location: 16p13.3.
Variant type: single nucleotide variant.
Coding change: c.378G>C on transcript NM_024589.3 (MANE Select); coding-DNA position 378, G replaced by C.
Protein change: p.Leu126=; no amino-acid change (leucine 126 retained).
Molecular consequence: synonymous variant. On other transcripts: non-coding transcript variant (1).
Genome position (GRCh38, 1-based): chr16:4,799,740, C>G on the plus strand (G>C on the coding strand, the complement: ROGDI is on the minus strand). VCF-style: chr16-4799740-C-G. GRCh37 (hg19) VCF-style: chr16-4849741-C-G.
Identifiers: ClinVar variation 461608 (VCV000461608.41), dbSNP rs145588848, ClinGen allele CA7882763.
Genomic context (GRCh38, chr16:4,799,740, plus strand): 5'-GCTCACCTTGAGGACCTCAGCGCCCGTCTTGAACTGGTAGCTCTGGTCCCGGCTGGTAAG[C>G]AGGTAAATGGCTTGGCTCACATGGTTTCTGGCATCCTGGATCTGGAAGCAGGGGTCATCC-3'
Protein context (NP_078865.1, residues 116-136): ARNHVSQAIY[Leu126=]LTSRDQSYQF